The following is an entry in ClinVar:

NM_000228.3(LAMB3):c.3340G>T (p.Glu1114Ter)

Gene: LAMB3 (laminin subunit beta 3; minus strand). Cytogenetic location: 1q32.2.
Variant type: single nucleotide variant.
Coding change: c.3340G>T on transcript NM_000228.3 (MANE Select); coding-DNA position 3340, G replaced by T.
Protein change: p.Glu1114Ter; replaces glutamic acid 1114 with a stop codon.
Molecular consequence: nonsense.
Genome position (GRCh38, 1-based): chr1:209,616,513, C>A on the plus strand (G>T on the coding strand, the complement: LAMB3 is on the minus strand). VCF-style: chr1-209616513-C-A. GRCh37 (hg19) VCF-style: chr1-209789858-C-A.
Other names: c.3340G>T, p.Glu1114Ter (NM_001017402.2, NM_001127641.1); short protein forms E1114*.
Identifiers: ClinVar variation 393554 (VCV000393554.3), dbSNP rs1553275195, ClinGen allele CA344581927.

ClinVar aggregate classification (germline): Pathogenic (0 of 4 stars; one submission).

Conditions:
Amelogenesis imperfecta type 1A. Also called: AMELOGENESIS IMPERFECTA, HYPOPLASTIC TYPE IA; Amelogenesis imperfecta, type IA; Amelogenesis imperfecta local hypoplastic; Amelogenesis imperfecta, hypoplastic type. Identifiers: Orphanet 88661, MedGen C4011403, MONDO:0007094, OMIM 104530.

Submission:

Leeds Amelogenesis Imperfecta Research Group, University of Leeds
Classification: Pathogenic for Amelogenesis imperfecta type 1A. Last evaluated: 2017-03-01. Review status: no assertion criteria provided. Collection method: research. Allele origin: maternal. Inheritance: Autosomal dominant inheritance. Affected: yes. Observed: 3 variant alleles, 3 heterozygotes. Clinical features observed: Amelogenesis imperfecta.
Comment: This variant lies within the penultimate exon of the LAMB3 gene, c.3340G>T. It is predicted to create a premature termination codon p.(E1114*) (NM_000228.2, NP_000219.2). This transcript is likely to escape nonsense mediated decay since the nonsense variant lies 43 bases away from the final exon-exon junction, therefore it may produce a truncated protein although this has not been experimentally determined.